The following is an entry in ClinVar:

ClinVar aggregate classification (germline): Likely benign (0 of 4 stars; one submission).

Conditions:
CCDC18-related disorder. Also called: CCDC18-related condition.

Allele frequency attached by ClinVar (database versions not stated): gnomAD exomes 0.00005; ExAC 0.00011; gnomAD 0.00045; TOPMed 0.00046; ESP Exome Variant Server 0.00051; 1000 Genomes Project 30x 0.00078; 1000 Genomes Project 0.00080.
gnomAD v4.1: 140 of 1,610,892 alleles (0.0087%); highest among the groups gnomAD compares: African/African-American, 0.17%; no homozygotes.

Submission:

PreventionGenetics, part of Exact Sciences
Classification: Likely benign for CCDC18-related condition. Last evaluated: 2023-02-28. Review status: no assertion criteria provided. Collection method: clinical testing. Allele origin: germline.
Comment: This variant is classified as likely benign based on ACMG/AMP sequence variant interpretation guidelines (Richards et al. 2015 PMID: 25741868, with internal and published modifications).

NM_001378204.1(CCDC18):c.1438A>G (p.Ser480Gly)

Gene: CCDC18 (coiled-coil domain containing 18; plus strand). Cytogenetic location: 1p22.1.
Variant type: single nucleotide variant.
Coding change: c.1438A>G on transcript NM_001378204.1 (MANE Select); coding-DNA position 1438, A replaced by G.
Protein change: p.Ser480Gly; replaces serine 480 with glycine.
Molecular consequence: missense variant.
Genome position (GRCh38, 1-based): chr1:93,212,204, A>G. VCF-style: chr1-93212204-A-G. GRCh37 (hg19) VCF-style: chr1-93677761-A-G.
Other names: c.1438A>G, p.Ser480Gly (NM_001306076.1, NM_206886.4); short protein forms S480G.
Identifiers: ClinVar variation 3032595 (VCV003032595.2), dbSNP rs188439846, ClinGen allele CA954025.